The following is an entry in ClinVar:

NM_023110.3(FGFR1):c.2048T>G (p.Val683Gly)

Gene: FGFR1 (fibroblast growth factor receptor 1; minus strand). Cytogenetic location: 8p11.23.
Variant type: single nucleotide variant.
Coding change: c.2048T>G on transcript NM_023110.3 (MANE Select); coding-DNA position 2048, T replaced by G.
Protein change: p.Val683Gly; replaces valine 683 with glycine.
Molecular consequence: missense variant.
Genome position (GRCh38, 1-based): chr8:38,414,559, A>C on the plus strand (T>G on the coding strand, the complement: FGFR1 is on the minus strand). VCF-style: chr8-38414559-A-C. GRCh37 (hg19) VCF-style: chr8-38272077-A-C.
Other names: c.2048T>G, p.Val683Gly (NM_000604.2); c.2042T>G, p.Val681Gly (NM_001174063.2, NM_001174065.2, NM_001354367.2 and 1 more transcripts); c.2018T>G, p.Val673Gly (NM_001174064.2); c.1781T>G, p.Val594Gly (NM_001174066.2, NM_023105.3); c.2141T>G, p.Val714Gly (NM_001174067.2); c.1769T>G, p.Val590Gly (NM_001354368.2); c.2036T>G, p.Val679Gly (NM_001354369.2, NM_001410922.1); c.1775T>G, p.Val592Gly (NM_001354370.2, NM_023106.3); short protein forms V673G, V679G, V683G, V594G, V714G, V590G, V592G, V681G.
Identifiers: ClinVar variation 2105298 (VCV002105298.4), dbSNP rs2150548391, ClinGen allele CA370729326.

ClinVar aggregate classification (germline): Pathogenic (1 of 4 stars; one submission).

Conditions:
Hypogonadotropic hypogonadism 2 with or without anosmia (HH2). Also called: HYPOGONADOTROPIC HYPOGONADISM 2 WITHOUT ANOSMIA; HYPOGONADOTROPIC HYPOGONADISM 2 WITH OR WITHOUT ANOSMIA, SUSCEPTIBILITY TO; HYPOGONADOTROPIC HYPOGONADISM 2 WITHOUT ANOSMIA, SUSCEPTIBILITY TO; FGFR1-Related GnRH Deficiency (Kallmann Syndrome 2). Identifiers: Orphanet 478, MedGen C1563720, MONDO:0007844, OMIM 147950. Disease mechanism: loss of function.
Pfeiffer syndrome (ACS5). Also called: ACS V. Identifiers: Orphanet 710, MedGen C0220658, MONDO:0007043, OMIM 101600.

Submission:

Labcorp Genetics (formerly Invitae), Labcorp
Classification: Pathogenic for Pfeiffer syndrome; Hypogonadotropic hypogonadism 2 with or without anosmia. Last evaluated: 2022-07-06. Review status: criteria provided, single submitter. Criteria: Invitae Variant Classification Sherloc (09022015). Collection method: clinical testing. Allele origin: germline.
Comment: For these reasons, this variant has been classified as Pathogenic. Algorithms developed to predict the effect of sequence changes on RNA splicing suggest that this variant may disrupt the consensus splice site. Algorithms developed to predict the effect of missense changes on protein structure and function (SIFT, PolyPhen-2, Align-GVGD) all suggest that this variant is likely to be disruptive. This missense change has been observed in individual(s) with Kallman syndrome (Invitae). In at least one individual the variant was observed to be de novo. This variant is not present in population databases (gnomAD no frequency). This sequence change replaces valine, which is neutral and non-polar, with glycine, which is neutral and non-polar, at codon 683 of the FGFR1 protein (p.Val683Gly).